The following is an entry in ClinVar:

ClinVar aggregate classification (germline): Likely benign. Review status: criteria provided, multiple submitters, no conflicts (2 of 4 stars). 2 submissions from 2 submitters: Likely benign (2). Last evaluated 2026-07-31.

Conditions:
Familial colorectal cancer type X. Identifiers: Orphanet 440437, MedGen C3896578, MONDO:0018604.

gnomAD v4.1: 5 of 1,605,536 alleles (0.00031%); highest among the groups gnomAD compares: Non-Finnish European, 0.00042%; no homozygotes.

Submissions (2):

Myriad Genetics, Inc.
Classification: Likely benign for Familial colorectal cancer type X. Last evaluated: 2026-07-31. Review status: criteria provided, single submitter. Criteria: Myriad Autosomal Dominant, Autosomal Recessive and X-Linked Classification Criteria (2023). Collection method: clinical testing. Allele origin: unknown.
Comment: This variant is considered likely benign. This variant is intronic and is not expected to impact mRNA splicing.

Labcorp Genetics (formerly Invitae), Labcorp
Classification: Likely benign. Last evaluated: 2025-11-03. Review status: criteria provided, single submitter. Criteria: Invitae Variant Classification Sherloc (09022015). Collection method: clinical testing. Allele origin: germline.

NM_001023.4(RPS20):c.4-12A>G

Gene: RPS20 (ribosomal protein S20; minus strand). Cytogenetic location: 8q12.1.
Variant type: single nucleotide variant.
Coding change: c.4-12A>G on transcript NM_001023.4 (MANE Select); 12 bases into the intron before coding-DNA position 4, A replaced by G.
Molecular consequence: intron variant.
Genome position (GRCh38, 1-based): chr8:56,074,171, T>C on the plus strand (A>G on the coding strand, the complement: RPS20 is on the minus strand). VCF-style: chr8-56074171-T-C. GRCh37 (hg19) VCF-style: chr8-56986730-T-C.
Other names: c.4-12A>G (NM_001146227.3).
Identifiers: ClinVar variation 2888033 (VCV002888033.4), dbSNP rs1809861958, ClinGen allele CA1785859956.